The following is an entry in ClinVar:

ClinVar aggregate classification (germline): Uncertain significance (1 of 4 stars; one submission).

Submission:

Ambry Genetics
Classification: Uncertain significance. Last evaluated: 2025-03-17. Review status: criteria provided, single submitter. Criteria: Ambry Variant Classification Scheme 2023. Collection method: clinical testing. Allele origin: germline.
Comment: The p.Q122R variant (also known as c.365A>G), located in coding exon 1 of the PALLD gene, results from an A to G substitution at nucleotide position 365. The glutamine at codon 122 is replaced by arginine, an amino acid with highly similar properties. This amino acid position is conserved. In addition, this alteration is predicted to be tolerated by in silico analysis. Based on the available evidence, the clinical significance of this variant remains unclear.

NM_001166108.2(PALLD):c.1965-12666A>G

Gene: PALLD (palladin, cytoskeletal associated protein; plus strand). Cytogenetic location: 4q32.3.
Variant type: single nucleotide variant.
Coding change: c.1965-12666A>G on transcript NM_001166108.2 (MANE Select); 12666 bases into the intron before coding-DNA position 1965, A replaced by G.
Molecular consequence: intron variant. On other transcripts: missense variant (1).
Genome position (GRCh38, 1-based): chr4:168,878,256, A>G. VCF-style: chr4-168878256-A-G. GRCh37 (hg19) VCF-style: chr4-169799407-A-G.
Other names: c.365A>G, p.Gln122Arg (NM_001166110.2); c.1965-12666A>G (NM_016081.4); c.819-12666A>G (NM_001166109.2); c.-157-12666A>G (NM_001367570.1, NM_001367568.1, NM_001367567.1 and 1 more transcripts); short protein forms Q122R.
Identifiers: ClinVar variation 3927505 (VCV003927505.1).